The following is an entry in ClinVar:

NM_001278064.2(GRM1):c.457A>G (p.Lys153Glu)

Gene: GRM1 (glutamate metabotropic receptor 1; plus strand). Cytogenetic location: 6q24.3.
Variant type: single nucleotide variant.
Coding change: c.457A>G on transcript NM_001278064.2 (MANE Select); coding-DNA position 457, A replaced by G.
Protein change: p.Lys153Glu; replaces lysine 153 with glutamic acid.
Molecular consequence: missense variant.
Genome position (GRCh38, 1-based): chr6:146,029,974, A>G. VCF-style: chr6-146029974-A-G. GRCh37 (hg19) VCF-style: chr6-146351110-A-G.
Other names: c.457A>G, p.Lys153Glu (NM_001278065.2, NM_001278066.1, NM_001278067.1); short protein forms K153E.
Identifiers: ClinVar variation 2684220 (VCV002684220.1), dbSNP rs2482538754, ClinGen allele CA365959868.

ClinVar aggregate classification (germline): Uncertain significance (1 of 4 stars; one submission).

Submission:

Athena Diagnostics
Classification: Uncertain significance. Last evaluated: 2023-01-16. Review status: criteria provided, single submitter. Criteria: Athena Diagnostics Criteria. Collection method: clinical testing. Allele origin: unknown.
Comment: Available data are insufficient to determine the clinical significance of the variant at this time. This variant has not been reported in large, multi-ethnic general populations. Computational tools disagree on the variant's effect on normal protein function.